The following is an entry in ClinVar:

NM_006445.4(PRPF8):c.2493C>G (p.Ser831=)

Gene: PRPF8 (pre-mRNA processing factor 8; minus strand). Cytogenetic location: 17p13.3.
Variant type: single nucleotide variant.
Coding change: c.2493C>G on transcript NM_006445.4 (MANE Select); coding-DNA position 2493, C replaced by G.
Protein change: p.Ser831=; no amino-acid change (serine 831 retained).
Molecular consequence: synonymous variant.
Genome position (GRCh38, 1-based): chr17:1,676,266, G>C on the plus strand (C>G on the coding strand, the complement: PRPF8 is on the minus strand). VCF-style: chr17-1676266-G-C. GRCh37 (hg19) VCF-style: chr17-1579560-G-C.
Identifiers: ClinVar variation 321903 (VCV000321903.32), dbSNP rs146749363, ClinGen allele CA8272113.

ClinVar aggregate classification (germline): Benign/Likely benign. Review status: criteria provided, multiple submitters, no conflicts (2 of 4 stars). 6 submissions from 6 submitters: Benign (4); Likely benign (2). Last evaluated 2026-01-17.

Conditions:
Retinitis pigmentosa 13 (RP13). Also called: PRPF 8-Related Retinitis Pigmentosa. Identifiers: Orphanet 791, MedGen C1838702, MONDO:0010806, OMIM 600059.
Retinitis pigmentosa (RP). Identifiers: Orphanet 791, MedGen C0035334, MeSH D012174, MONDO:0019200, OMIM 268000. Inheritance: Autosomal dominant, autosomal recessive and X linked inheritance.

Allele frequency attached by ClinVar (database versions not stated): gnomAD exomes 0.00026 and 0.00069; ExAC 0.00084; ESP Exome Variant Server 0.00254; TOPMed 0.00287; gnomAD 0.00299; 1000 Genomes Project 0.00319; 1000 Genomes Project 30x 0.00359.
gnomAD v4.1: 820 of 1,614,056 alleles (0.051%); highest among the groups gnomAD compares: African/African-American, 0.91%; 5 homozygotes.

Submissions (6):

Labcorp Genetics (formerly Invitae), Labcorp
Classification: Benign. Last evaluated: 2026-01-17. Review status: criteria provided, single submitter. Criteria: Invitae Variant Classification Sherloc (09022015). Collection method: clinical testing. Allele origin: germline.

CeGaT Center for Human Genetics Tuebingen
Classification: Benign. Last evaluated: 2025-07-01. Review status: criteria provided, single submitter. Criteria: CeGaT Center For Human Genetics Tuebingen Variant Classification Criteria Version 2. Collection method: clinical testing. Allele origin: germline. Affected: yes. Observed: 1 variant allele.
Comment: PRPF8: BP4, BS1, BS2

Blueprint Genetics
Classification: Likely benign. Last evaluated: 2024-08-28. Review status: criteria provided, single submitter. Criteria: ACMG Guidelines, 2015. Collection method: clinical testing. Allele origin: germline.

Fulgent Genetics
Classification: Likely benign for Retinitis pigmentosa 13. Last evaluated: 2021-12-28. Review status: criteria provided, single submitter. Criteria: ACMG Guidelines, 2015. Collection method: clinical testing. Allele origin: unknown.

ARUP Laboratories, Molecular Genetics and Genomics, ARUP Laboratories
Classification: Benign for Retinitis pigmentosa 13. Last evaluated: 2020-01-05. Review status: criteria provided, single submitter. Criteria: ARUP Molecular Germline Variant Investigation Process. Collection method: clinical testing. Allele origin: germline.

Illumina Laboratory Services, Illumina
Classification: Benign for Retinitis pigmentosa. Last evaluated: 2018-01-13. Review status: criteria provided, single submitter. Criteria: ICSL Variant Classification Criteria 13 December 2019. Collection method: clinical testing. Allele origin: germline.
Comment: This variant was observed in the ICSL laboratory as part of a predisposition screen in an ostensibly healthy population. It had not been previously curated by ICSL or reported in the Human Gene Mutation Database (HGMD: prior to June 1st, 2018), and was therefore a candidate for classification through an automated scoring system. Utilizing variant allele frequency, disease prevalence and penetrance estimates, and inheritance mode, an automated score was calculated to assess if this variant is too frequent to cause the disease. Based on the score and internal cut-off values, a variant classified as benign is not then subjected to further curation. The score for this variant resulted in a classification of benign for this disease.